The following is an entry in ClinVar:

ClinVar aggregate classification (germline): Uncertain significance. Review status: criteria provided, multiple submitters, no conflicts (2 of 4 stars). 3 submissions from 3 submitters: Uncertain significance (3). Last evaluated 2024-08-02.

Conditions:
Neuronopathy, distal hereditary motor, autosomal recessive 5. Also called: Spinal muscular atrophy, distal, autosomal recessive, 5; Young adult-onset distal hereditary motor neuropathy; NEUROPATHY, DISTAL HEREDITARY MOTOR, AUTOSOMAL RECESSIVE 5. Identifiers: Orphanet 314485, Orphanet 443950, MedGen C4749918, MONDO:0013947, OMIM 614881.

Allele frequency attached by ClinVar (database versions not stated): ExAC 0.00001; gnomAD 0.00001; gnomAD exomes 0.00001 and 0.00002; TOPMed 0.00001.
gnomAD v4.1: 17 of 1,613,764 alleles (0.0011%); highest among the groups gnomAD compares: African/African-American, 0.0027%; no homozygotes.

Submissions (3):

Mayo Clinic Laboratories, Mayo Clinic
Classification: Uncertain significance. Last evaluated: 2024-08-02. Review status: criteria provided, single submitter. Criteria: ACMG Guidelines, 2015. Collection method: clinical testing. Allele origin: germline. Observed: 1 variant allele.
Comment: BP4, PM2

Labcorp Genetics (formerly Invitae), Labcorp
Classification: Uncertain significance for Neuronopathy, distal hereditary motor, autosomal recessive 5. Last evaluated: 2021-08-30. Review status: criteria provided, single submitter. Criteria: Invitae Variant Classification Sherloc (09022015). Collection method: clinical testing. Allele origin: germline.
Comment: This sequence change replaces arginine with cysteine at codon 25 of the DNAJB2 protein (p.Arg25Cys). The arginine residue is weakly conserved and there is a large physicochemical difference between arginine and cysteine. This variant is present in population databases (rs750175376, ExAC 0.01%). This variant has not been reported in the literature in individuals affected with DNAJB2-related conditions. ClinVar contains an entry for this variant (Variation ID: 429350). Algorithms developed to predict the effect of missense changes on protein structure and function (SIFT, PolyPhen-2, Align-GVGD) all suggest that this variant is likely to be disruptive. In summary, the available evidence is currently insufficient to determine the role of this variant in disease. Therefore, it has been classified as a Variant of Uncertain Significance.

GeneDx
Classification: Uncertain significance. Last evaluated: 2017-04-20. Review status: criteria provided, single submitter. Criteria: GeneDx Variant Classification (06012015). Collection method: clinical testing. Allele origin: germline. Affected: yes.
Comment: A variant of uncertain significance has been identified in the DNAJB2 gene. The R25C variant has not been published as a pathogenic variant, nor has it been reported as a benign variant to our knowledge. The R25C variant is not observed at a significant frequency in large population cohorts (Lek et al., 2016; 1000 Genomes Consortium et al., 2015; Exome Variant Server). This substitution occurs at a position where amino acids with similar properties to Arginine are tolerated across species. However, the R25C variant is a non-conservative amino acid substitution, which is likely to impact secondary protein structure as these residues differ in polarity, charge, size and/or other properties. In silico analysis is inconsistent in its predictions as to whether or not the variant is damaging to the protein structure/function. Therefore, based on the currently available information, it is unclear whether this variant is a pathogenic variant or a rare benign variant.

NM_006736.6(DNAJB2):c.73C>T (p.Arg25Cys)

Gene: DNAJB2 (DnaJ heat shock protein family (Hsp40) member B2; plus strand). Cytogenetic location: 2q35.
Variant type: single nucleotide variant.
Coding change: c.73C>T on transcript NM_006736.6 (MANE Select); coding-DNA position 73, C replaced by T.
Protein change: p.Arg25Cys; replaces arginine 25 with cysteine.
Molecular consequence: missense variant.
Genome position (GRCh38, 1-based): chr2:219,280,585, C>T. VCF-style: chr2-219280585-C-T. GRCh37 (hg19) VCF-style: chr2-220145307-C-T.
Other names: p.Arg25Cys; c.73C>T, p.Arg25Cys (NM_001039550.2); short protein forms R25C.
Identifiers: ClinVar variation 429350 (VCV000429350.9), dbSNP rs750175376, ClinGen allele CA2122826.